The following is an entry in ClinVar:

ClinVar aggregate classification (germline): Likely pathogenic. Review status: criteria provided, multiple submitters, no conflicts (2 of 4 stars). 3 submissions from 3 submitters: Likely pathogenic (2). 1 of the submissions does not count toward it. Last evaluated 2025-02-16.

Conditions:
Charcot-Marie-Tooth disease. Also called: Charcot-Marie-Tooth Neuropathy; Charcot-Marie-Tooth Hereditary Neuropathy. Identifiers: Orphanet 166, MedGen C0007959, MONDO:0015626.
Charcot-Marie-Tooth Neuropathy X. Identifiers: MedGen CN118851.

Submissions (3):

Laboratory of Genetics, Children's Clinical University Hospital Latvia
Classification: Likely pathogenic. Last evaluated: 2025-02-16. Review status: criteria provided, single submitter. Criteria: ACMG Guidelines, 2015. Collection method: clinical testing. Allele origin: germline. Affected: yes.

Labcorp Genetics (formerly Invitae), Labcorp
Classification: Likely pathogenic for Charcot-Marie-Tooth Neuropathy X. Last evaluated: 2017-07-11. Review status: criteria provided, single submitter. Criteria: Invitae Variant Classification Sherloc (09022015). Collection method: clinical testing. Allele origin: germline.
Comment: This sequence change replaces glycine with serine at codon 12 of the GJB1 protein (p.Gly12Ser). The glycine residue is highly conserved and there is a small physicochemical difference between glycine and serine. This variant is not present in population databases (ExAC no frequency). This variant has been reported in a family affected with Charcot-Marie-Tooth disease, type X (PMID: 8266101). Experimental studies have shown that this missense change alters the structure of the GJB1 (also known as Cx32) protein such that a functional channel is not formed and the mutant protein is mislocalized to the Golgi apparatus instead of the plasma membrane (PMID: 9354338, 11325342, 15006706, 19638273, 9364054, 10646523, 22705201). In summary, the currently available evidence indicates that the variant is pathogenic, but additional data are needed to prove that conclusively. Therefore, this variant has been classified as Likely Pathogenic.

Inherited Neuropathy Consortium
Classification: Uncertain significance for Charcot-Marie-Tooth disease. Review status: no assertion criteria provided. Collection method: literature only. Allele origin: germline. Affected: yes. Not counted in ClinVar's aggregate classification.

Literature cited by the submitters: PubMed 8266101 (cited by Inherited Neuropathy Consortium).

NM_000166.6(GJB1):c.34G>A (p.Gly12Ser)

Gene: GJB1 (gap junction protein beta 1; plus strand). Cytogenetic location: Xq13.1.
Variant type: single nucleotide variant.
Coding change: c.34G>A on transcript NM_000166.6 (MANE Select); coding-DNA position 34, G replaced by A.
Protein change: p.Gly12Ser; replaces glycine 12 with serine.
Molecular consequence: missense variant.
Genome position (GRCh38, 1-based): chrX:71,223,741, G>A. VCF-style: chrX-71223741-G-A. GRCh37 (hg19) VCF-style: chrX-70443591-G-A.
Other names: c.34G>A, p.Gly12Ser (NM_001097642.3); short protein forms G12S.
Identifiers: ClinVar variation 477595 (VCV000477595.3), dbSNP rs1555936999, ClinGen allele CA413499462.